The following is an entry in ClinVar:

ClinVar aggregate classification (germline): Benign. Review status: criteria provided, multiple submitters, no conflicts (2 of 4 stars). 4 submissions from 3 submitters: Benign (4). Last evaluated 2021-06-10.

Conditions:
Bardet-Biedl syndrome 13 (BBS13). Identifiers: Orphanet 110, MedGen C2673873, MONDO:0014441, OMIM 615990.
Joubert syndrome 28 (JBTS28). Identifiers: MedGen C4310705, MONDO:0014928, OMIM 617121.

Allele frequency attached by ClinVar (database versions not stated): TOPMed 0.07917; 1000 Genomes Project 30x 0.08229; gnomAD 0.08242 and 0.08343; 1000 Genomes Project 0.08626.
gnomAD v4.1: 92,890 of 957,532 alleles (9.7%); highest among the groups gnomAD compares: South Asian, 11%; 4,723 homozygotes.

Submissions (4):

Genome-Nilou Lab
Classification: Benign for Bardet-Biedl syndrome 13. Last evaluated: 2021-06-10. Review status: criteria provided, single submitter. Criteria: ACMG Guidelines, 2015. Collection method: clinical testing. Allele origin: germline. Affected: no.

Genome-Nilou Lab
Classification: Benign for Joubert syndrome 28. Last evaluated: 2021-06-10. Review status: criteria provided, single submitter. Criteria: ACMG Guidelines, 2015. Collection method: clinical testing. Allele origin: germline. Affected: no.

GeneDx
Classification: Benign. Last evaluated: 2018-06-16. Review status: criteria provided, single submitter. Criteria: GeneDx Variant Classification (06012015). Collection method: clinical testing. Allele origin: germline. Affected: yes.
Comment: This variant is considered likely benign or benign based on one or more of the following criteria: it is a conservative change, it occurs at a poorly conserved position in the protein, it is predicted to be benign by multiple in silico algorithms, and/or has population frequency not consistent with disease.

Breakthrough Genomics
Classification: Benign. Review status: criteria provided, single submitter. Criteria: ACMG Guidelines, 2015. Collection method: not provided. Allele origin: germline. Inheritance: Autosomal recessive inheritance. Affected: yes.

NM_017777.4(MKS1):c.1024+128C>T

Gene: MKS1 (MKS transition zone complex subunit 1; minus strand). Cytogenetic location: 17q22.
Variant type: single nucleotide variant.
Coding change: c.1024+128C>T on transcript NM_017777.4 (MANE Select); 128 bases into the intron after coding-DNA position 1024, C replaced by T.
Molecular consequence: intron variant.
Genome position (GRCh38, 1-based): chr17:58,210,531, G>A on the plus strand (C>T on the coding strand, the complement: MKS1 is on the minus strand). VCF-style: chr17-58210531-G-A. GRCh37 (hg19) VCF-style: chr17-56287892-G-A.
Other names: NM_001165927.1:c.994+128C>T; c.415+128C>T (NM_001321268.2); c.1024+128C>T (NM_001330397.2, NM_001321269.2).
Identifiers: ClinVar variation 683187 (VCV000683187.5), dbSNP rs72839966, ClinGen allele CA15901247.